The following is an entry in ClinVar:

NM_004329.3(BMPR1A):c.229A>C (p.Ile77Leu)

Gene: BMPR1A (bone morphogenetic protein receptor type 1A; plus strand). Cytogenetic location: 10q23.2.
Variant type: single nucleotide variant.
Coding change: c.229A>C on transcript NM_004329.3 (MANE Select); coding-DNA position 229, A replaced by C.
Protein change: p.Ile77Leu; replaces isoleucine 77 with leucine.
Molecular consequence: missense variant.
Genome position (GRCh38, 1-based): chr10:86,890,223, A>C. VCF-style: chr10-86890223-A-C. GRCh37 (hg19) VCF-style: chr10-88649980-A-C.
Other names: short protein forms I77L.
Identifiers: ClinVar variation 654710 (VCV000654710.10), dbSNP rs878854666, ClinGen allele CA377447281.

ClinVar aggregate classification (germline): Uncertain significance. Review status: criteria provided, multiple submitters, no conflicts (2 of 4 stars). 2 submissions from 2 submitters: Uncertain significance (2). Last evaluated 2024-08-01.

Conditions:
Hereditary cancer-predisposing syndrome. Also called: Neoplastic Syndromes, Hereditary; Hereditary neoplastic syndrome; Hereditary Cancer Syndrome; Tumor predisposition. Identifiers: Orphanet 140162, MedGen C0027672, MeSH D009386, MONDO:0015356.
Juvenile polyposis syndrome (JPS). Identifiers: Orphanet 2929, MedGen C0345893, MONDO:0017380, OMIM 174900.

gnomAD v4.1: 2 of 1,614,104 alleles (0.00012%); highest among the groups gnomAD compares: Non-Finnish European, 0.00017%; no homozygotes.

Submissions (2):

Labcorp Genetics (formerly Invitae), Labcorp
Classification: Uncertain significance for Juvenile polyposis syndrome. Last evaluated: 2024-08-01. Review status: criteria provided, single submitter. Criteria: Invitae Variant Classification Sherloc (09022015). Collection method: clinical testing. Allele origin: germline.
Comment: This sequence change replaces isoleucine, which is neutral and non-polar, with leucine, which is neutral and non-polar, at codon 77 of the BMPR1A protein (p.Ile77Leu). This variant is not present in population databases (gnomAD no frequency). This variant has not been reported in the literature in individuals affected with BMPR1A-related conditions. ClinVar contains an entry for this variant (Variation ID: 654710). An algorithm developed to predict the effect of missense changes on protein structure and function (PolyPhen-2) suggests that this variant is likely to be tolerated. In summary, the available evidence is currently insufficient to determine the role of this variant in disease. Therefore, it has been classified as a Variant of Uncertain Significance.

Color Diagnostics, LLC DBA Color Health
Classification: Uncertain significance for Hereditary cancer-predisposing syndrome. Last evaluated: 2021-02-02. Review status: criteria provided, single submitter. Criteria: ACMG Guidelines, 2015. Collection method: clinical testing. Allele origin: germline.
Comment: This missense variant replaces isoleucine with leucine at codon 77 of the BMPR1A protein. Computational prediction suggests that this variant may not impact protein structure and function (internally defined REVEL score threshold <= 0.5, PMID: 27666373). To our knowledge, functional studies have not been reported for this variant. This variant has not been reported in individuals affected with hereditary cancer in the literature. This variant has not been identified in the general population by the Genome Aggregation Database (gnomAD). The available evidence is insufficient to determine the role of this variant in disease conclusively. Therefore, this variant is classified as a Variant of Uncertain Significance.